The following is an entry in ClinVar:

NM_001114753.3(ENG):c.1513del (p.Glu505fs)

Genes: ENG (endoglin; minus strand), LOC102723566 (uncharacterized LOC102723566; plus strand). Cytogenetic location: 9q34.11.
Variant type: Deletion.
Coding change: c.1513del on transcript NM_001114753.3 (MANE Select); coding-DNA position 1513, one base deleted (G; older notation c.1513delG).
Protein change: p.Glu505fs; shifts the reading frame from glutamic acid 505.
Molecular consequence: frameshift variant.
Genome position (GRCh38, 1-based): chr9:127,818,293, C deleted on the plus strand (G on the coding strand, the reverse complement: ENG is on the minus strand); the first of 2 consecutive C bases (chr9:127,818,293-127,818,294); deleting either gives the same sequence. VCF-style (leftmost placement, unchanged base first): chr9-127818292-TC-T. GRCh37 (hg19) VCF-style: chr9-130580571-TC-T.
Other names: c.1513del, p.Glu505fs (NM_000118.4); c.967del, p.Glu323fs (NM_001278138.2); short protein forms E323fs, E505fs.
Identifiers: ClinVar variation 3729057 (VCV003729057.2).

ClinVar aggregate classification (germline): Pathogenic (1 of 4 stars; one submission).

Conditions:
Hereditary hemorrhagic telangiectasia (HHT). Also called: ORW DISEASE; Osler Weber Rendu syndrome; OSLER-RENDU-WEBER DISEASE; Osler hemorrhagic telangiectasia syndrome. Identifiers: Orphanet 774, MedGen C0039445, MONDO:0019180. Disease mechanism: loss of function.

Submission:

Labcorp Genetics (formerly Invitae), Labcorp
Classification: Pathogenic for Hereditary hemorrhagic telangiectasia. Last evaluated: 2025-01-15. Review status: criteria provided, single submitter. Criteria: Invitae Variant Classification Sherloc (09022015). Collection method: clinical testing. Allele origin: germline.
Comment: This sequence change creates a premature translational stop signal (p.Glu505Asnfs*13) in the ENG gene. It is expected to result in an absent or disrupted protein product. Loss-of-function variants in ENG are known to be pathogenic (PMID: 15879500). This variant is not present in population databases (gnomAD no frequency). This variant has not been reported in the literature in individuals affected with ENG-related conditions. Algorithms developed to predict the effect of sequence changes on RNA splicing suggest that this variant may disrupt the consensus splice site. For these reasons, this variant has been classified as Pathogenic.

Literature cited by the submitters: PubMed 15879500.